The following is an entry in ClinVar:

NM_000787.4(DBH):c.1511A>G (p.Lys504Arg)

Genes: DBH (dopamine beta-hydroxylase; plus strand), DBH-AS1 (DBH antisense RNA 1; minus strand). Cytogenetic location: 9q34.2.
Variant type: single nucleotide variant.
Coding change: c.1511A>G on transcript NM_000787.4 (MANE Select); coding-DNA position 1511, A replaced by G.
Protein change: p.Lys504Arg; replaces lysine 504 with arginine.
Molecular consequence: missense variant.
Genome position (GRCh38, 1-based): chr9:133,656,599, A>G. VCF-style: chr9-133656599-A-G. GRCh37 (hg19) VCF-style: chr9-136521721-A-G.
Other names: short protein forms K504R.
Identifiers: ClinVar variation 1969959 (VCV001969959.4), dbSNP rs1319044204, ClinGen allele CA375420987.

ClinVar aggregate classification (germline): Uncertain significance (1 of 4 stars; one submission).

Conditions:
Orthostatic hypotension 1 (ORTHYP1). Also called: Orthostatic hypotension 1, due to DBH deficiency; Dopamine beta-hydroxylase deficiency; NORADRENALINE DEFICIENCY; NOREPINEPHRINE DEFICIENCY. Identifiers: Orphanet 230, MedGen C4746777, MONDO:0009123, OMIM 223360.

Allele frequency attached by ClinVar (database versions not stated): gnomAD 0.00001; gnomAD exomes 0.00001; TOPMed 0.00001.
gnomAD v4.1: 12 of 1,613,594 alleles (0.00074%); highest among the groups gnomAD compares: Non-Finnish European, 0.001%; no homozygotes.

Submission:

Labcorp Genetics (formerly Invitae), Labcorp
Classification: Uncertain significance for Orthostatic hypotension 1. Last evaluated: 2024-02-05. Review status: criteria provided, single submitter. Criteria: Invitae Variant Classification Sherloc (09022015). Collection method: clinical testing. Allele origin: germline.
Comment: This sequence change replaces lysine, which is basic and polar, with arginine, which is basic and polar, at codon 504 of the DBH protein (p.Lys504Arg). This variant is present in population databases (no rsID available, gnomAD 0.002%). This variant has not been reported in the literature in individuals affected with DBH-related conditions. ClinVar contains an entry for this variant (Variation ID: 1969959). Advanced modeling of protein sequence and biophysical properties (such as structural, functional, and spatial information, amino acid conservation, physicochemical variation, residue mobility, and thermodynamic stability) performed at Invitae indicates that this missense variant is expected to disrupt DBH protein function with a positive predictive value of 80%. In summary, the available evidence is currently insufficient to determine the role of this variant in disease. Therefore, it has been classified as a Variant of Uncertain Significance.